The following is an entry in ClinVar:

NM_205768.3(ZBTB18):c.938A>G (p.Asn313Ser)

Gene: ZBTB18 (zinc finger and BTB domain containing 18; plus strand). Cytogenetic location: 1q44.
Variant type: single nucleotide variant.
Coding change: c.938A>G on transcript NM_205768.3 (MANE Select); coding-DNA position 938, A replaced by G.
Protein change: p.Asn313Ser; replaces asparagine 313 with serine.
Molecular consequence: missense variant. On other transcripts: 3 prime UTR variant (1).
Genome position (GRCh38, 1-based): chr1:244,054,712, A>G. VCF-style: chr1-244054712-A-G. GRCh37 (hg19) VCF-style: chr1-244218014-A-G.
Other names: c.911A>G, p.Asn304Ser (NM_001278196.2, NM_006352.5); c.*115A>G (NM_001421566.1); short protein forms N304S, N313S.
Identifiers: ClinVar variation 4881679 (VCV004881679.2).

ClinVar aggregate classification (germline): Uncertain significance (1 of 4 stars; one submission).

Submission:

Dasa
Classification: Uncertain significance. Last evaluated: 2025-01-22. Review status: criteria provided, single submitter. Criteria: DASA Assertion Criteria. Collection method: clinical testing. Allele origin: germline.
Comment: NM_205768.3(ZBTB18):c.938A>G (p.Asn313Ser) is a missense variant that results in the substitution of asparagine with serine. This variant is rare in population databases. Computational prediction algorithms are consistent with a benign effect. The currently available literature and clinical evidence are not sufficient to establish a definitive association between this variant and the reported condition. Therefore, this variant is classified as a variant of uncertain significance.